The following is an entry in ClinVar:

NM_001365008.2(IZUMO3):c.309T>C (p.Phe103=)

Genes: IZUMO3 (IZUMO family member 3; minus strand), LOC126860598 (P300/CBP strongly-dependent group 1 enhancer GRCh37_chr9:24544345-24545544; plus strand). Cytogenetic location: 9p21.3.
Variant type: single nucleotide variant.
Coding change: c.309T>C on transcript NM_001365008.2 (MANE Select); coding-DNA position 309, T replaced by C.
Protein change: p.Phe103=; no amino-acid change (phenylalanine 103 retained).
Molecular consequence: synonymous variant.
Genome position (GRCh38, 1-based): chr9:24,545,054, A>G on the plus strand (T>C on the coding strand, the complement: IZUMO3 is on the minus strand). VCF-style: chr9-24545054-A-G. GRCh37 (hg19) VCF-style: chr9-24545052-A-G.
Other names: c.309T>C, p.Phe103= (NM_001271706.1).
Identifiers: ClinVar variation 2659132 (VCV002659132.24), dbSNP rs187044520, ClinGen allele CA5013473.

ClinVar aggregate classification (germline): Likely benign (1 of 4 stars; one submission).

Allele frequency attached by ClinVar (database versions not stated): 1000 Genomes Project 0.00020; TOPMed 0.00021; ExAC 0.00023; gnomAD 0.00026; 1000 Genomes Project 30x 0.00031; gnomAD exomes 0.00039.
gnomAD v4.1: 582 of 1,548,530 alleles (0.038%); highest among the groups gnomAD compares: Non-Finnish European, 0.045%; no homozygotes.

Submission:

CeGaT Center for Human Genetics Tuebingen
Classification: Likely benign. Last evaluated: 2022-05-01. Review status: criteria provided, single submitter. Criteria: CeGaT Center For Human Genetics Tuebingen Variant Classification Criteria Version 2. Collection method: clinical testing. Allele origin: germline. Affected: yes. Observed: 1 variant allele.
Comment: IZUMO3: BP4, BP7